The following is an entry in ClinVar:

ClinVar aggregate classification (germline): Conflicting classifications of pathogenicity. Review status: criteria provided, conflicting classifications (1 of 4 stars). 2 submissions from 2 submitters: Uncertain significance (1); Likely benign (1). Last evaluated 2026-01-17.

Conditions:
Ehlers-Danlos syndrome, classic type, 1 (EDSCL1). Also called: EHLERS-DANLOS SYNDROME, GRAVIS TYPE; EHLERS-DANLOS SYNDROME, SEVERE CLASSIC TYPE; Ehlers-Danlos Syndrome, Classic Type, COL5A1-Related; EDS I; Ehlers-Danlos syndrome, type 1. Identifiers: MedGen C0268335, MONDO:0019567, OMIM 130000.

Allele frequency attached by ClinVar (database versions not stated): ExAC 0.00003; gnomAD exomes 0.00001 and 0.00004; gnomAD 0.00003; TOPMed 0.00003.
gnomAD v4.1: 29 of 1,614,016 alleles (0.0018%); highest among the groups gnomAD compares: Non-Finnish European, 0.00059%; no homozygotes.

Submissions (2):

Labcorp Genetics (formerly Invitae), Labcorp
Classification: Likely benign for Ehlers-Danlos syndrome, classic type, 1. Last evaluated: 2026-01-17. Review status: criteria provided, single submitter. Criteria: Invitae Variant Classification Sherloc (09022015). Collection method: clinical testing. Allele origin: germline.

GeneDx
Classification: Uncertain significance. Last evaluated: 2022-02-17. Review status: criteria provided, single submitter. Criteria: GeneDx Variant Classification Process June 2021. Collection method: clinical testing. Allele origin: germline. Affected: yes.
Comment: Has not been previously published as pathogenic or benign to our knowledge; In silico analysis supports that this missense variant does not alter protein structure/function

NM_000393.5(COL5A2):c.1814T>C (p.Ile605Thr)

Gene: COL5A2 (collagen type V alpha 2 chain; minus strand). Cytogenetic location: 2q32.2.
Variant type: single nucleotide variant.
Coding change: c.1814T>C on transcript NM_000393.5 (MANE Select); coding-DNA position 1814, T replaced by C.
Protein change: p.Ile605Thr; replaces isoleucine 605 with threonine.
Molecular consequence: missense variant.
Genome position (GRCh38, 1-based): chr2:189,063,227, A>G on the plus strand (T>C on the coding strand, the complement: COL5A2 is on the minus strand). VCF-style: chr2-189063227-A-G. GRCh37 (hg19) VCF-style: chr2-189927953-A-G.
Other names: short protein forms I605T.
Identifiers: ClinVar variation 408284 (VCV000408284.16), dbSNP rs746339285, ClinGen allele CA2022562.